The following is an entry in ClinVar:

NM_001040716.2(PC):c.3102dup (p.Thr1035fs)

Gene: PC (pyruvate carboxylase; minus strand). Cytogenetic location: 11q13.2.
Variant type: Duplication.
Coding change: c.3102dup on transcript NM_001040716.2 (MANE Select); coding-DNA position 3102, one base duplicated (T; older notation c.3102dupT).
Protein change: p.Thr1035fs; shifts the reading frame from threonine 1035.
Molecular consequence: frameshift variant.
Genome position (GRCh38, 1-based): chr11:66,849,656, A duplicated on the plus strand (T on the coding strand, the reverse complement: PC is on the minus strand). VCF-style (leftmost placement, unchanged base first): chr11-66849655-T-TA. GRCh37 (hg19) VCF-style: chr11-66617126-T-TA.
Other names: c.3102dup, p.Thr1035fs (NM_000920.4, NM_022172.3); short protein forms T1035fs.
Identifiers: ClinVar variation 1071602 (VCV001071602.7), dbSNP rs2135789146, ClinGen allele CA2499221213.

ClinVar aggregate classification (germline): Pathogenic (1 of 4 stars; one submission).

Conditions:
Pyruvate carboxylase deficiency. Also called: LEIGH NECROTIZING ENCEPHALOPATHY DUE TO PYRUVATE CARBOXYLASE DEFICIENCY; LEIGH SYNDROME DUE TO PYRUVATE CARBOXYLASE DEFICIENCY; PC DEFICIENCY; ATAXIA WITH LACTIC ACIDOSIS II; Pyruvate Carboxylase Deficiency Disease. Identifiers: Orphanet 3008, MedGen C0034341, MONDO:0009949, OMIM 266150.

Submission:

Labcorp Genetics (formerly Invitae), Labcorp
Classification: Pathogenic for Pyruvate carboxylase deficiency. Last evaluated: 2020-01-14. Review status: criteria provided, single submitter. Criteria: Invitae Variant Classification Sherloc (09022015). Collection method: clinical testing. Allele origin: germline.
Comment: For these reasons, this variant has been classified as Pathogenic. Loss-of-function variants in PC are known to be pathogenic (PMID: 12112657, 19306334). This variant has not been reported in the literature in individuals with PC-related conditions. This variant is not present in population databases (ExAC no frequency). This sequence change creates a premature translational stop signal (p.Thr1035Tyrfs*15) in the PC gene. It is expected to result in an absent or disrupted protein product.

Literature cited by the submitters: PubMed 12112657; PubMed 19306334.